The following is an entry in ClinVar:

NM_021224.6(ZNF462):c.2449C>G (p.Leu817Val)

Gene: ZNF462 (zinc finger protein 462; plus strand). Cytogenetic location: 9q31.2.
Variant type: single nucleotide variant.
Coding change: c.2449C>G on transcript NM_021224.6 (MANE Select); coding-DNA position 2449, C replaced by G.
Protein change: p.Leu817Val; replaces leucine 817 with valine.
Molecular consequence: missense variant.
Genome position (GRCh38, 1-based): chr9:106,926,361, C>G. VCF-style: chr9-106926361-C-G. GRCh37 (hg19) VCF-style: chr9-109688642-C-G.
Other names: c.2449C>G, p.Leu817Val (NM_001347997.2); short protein forms L817V.
Identifiers: ClinVar variation 1345256 (VCV001345256.6), dbSNP rs2131469637, ClinGen allele CA374390746.

ClinVar aggregate classification (germline): Uncertain significance (1 of 4 stars; one submission).

Allele frequency attached by ClinVar (database versions not stated): gnomAD exomes below 0.00001.
gnomAD v4.1: 1 of 1,614,202 alleles (0.000062%); highest among the groups gnomAD compares: Non-Finnish European, 0.000085%; no homozygotes.

Submission:

Labcorp Genetics (formerly Invitae), Labcorp
Classification: Uncertain significance. Last evaluated: 2021-02-19. Review status: criteria provided, single submitter. Criteria: Invitae Variant Classification Sherloc (09022015). Collection method: clinical testing. Allele origin: germline.
Comment: This variant is not present in population databases (ExAC no frequency). This sequence change replaces leucine with valine at codon 817 of the ZNF462 protein (p.Leu817Val). The leucine residue is highly conserved and there is a small physicochemical difference between leucine and valine. In summary, the available evidence is currently insufficient to determine the role of this variant in disease. Therefore, it has been classified as a Variant of Uncertain Significance. Algorithms developed to predict the effect of missense changes on protein structure and function (SIFT, PolyPhen-2, Align-GVGD) all suggest that this variant is likely to be tolerated, but these predictions have not been confirmed by published functional studies and their clinical significance is uncertain. This variant has not been reported in the literature in individuals with ZNF462-related conditions.